The following is an entry in ClinVar:

ClinVar aggregate classification (germline): Uncertain significance. Review status: criteria provided, multiple submitters, no conflicts (2 of 4 stars). 2 submissions from 2 submitters: Uncertain significance (2). Last evaluated 2022-05-18.

Conditions:
Hyperinsulinemic hypoglycemia, familial, 1 (HHF1). Also called: Persistent hyperinsulinemic hypoglycemia of infancy; Persistent Hyperinsulinemia Hypoglycemia of Infancy; HYPERINSULINISM, FAMILIAL, WITH PANCREATIC NESIDIOBLASTOSIS; HYPOGLYCEMIA, HYPERINSULINEMIC, OF INFANCY; NESIDIOBLASTOSIS OF PANCREAS. Identifiers: Orphanet 276575, Orphanet 276598, MedGen C2931832, MONDO:0009734, OMIM 256450.
Leucine-induced hypoglycemia (LIH). Also called: LEUCINE-SENSITIVE HYPOGLYCEMIA OF INFANCY. Identifiers: MedGen C0271714, MONDO:0009415, OMIM 240800.
Type 2 diabetes mellitus. Also called: Type II diabetes mellitus. Identifiers: MedGen C0011860, MeSH D003924, MONDO:0005148, OMIM 125853, HP:0005978.
Diabetes mellitus, transient neonatal, 2 (TNDM2). Identifiers: Orphanet 99886, MedGen C1835887, MONDO:0012480, OMIM 610374. Disease mechanism: loss of function.
Diabetes mellitus, permanent neonatal 3. Also called: ABCC8-Related Permanent Neonatal Diabetes Mellitus. Identifiers: MedGen C5394303, MONDO:0030088, OMIM 618857.

Allele frequency attached by ClinVar (database versions not stated): gnomAD 0.00001; TOPMed 0.00001; gnomAD exomes 0.00002; ExAC 0.00006; ESP Exome Variant Server 0.00008.
gnomAD v4.1: 14 of 1,598,714 alleles (0.00088%); highest among the groups gnomAD compares: Non-Finnish European, 0.0012%; no homozygotes.

Submissions (2):

Fulgent Genetics
Classification: Uncertain significance for Type 2 diabetes mellitus; Leucine-induced hypoglycemia; Hyperinsulinemic hypoglycemia, familial, 1; Diabetes mellitus, transient neonatal, 2; Diabetes mellitus, permanent neonatal 3. Last evaluated: 2022-05-18. Review status: criteria provided, single submitter. Criteria: ACMG Guidelines, 2015. Collection method: clinical testing. Allele origin: unknown.

GeneDx
Classification: Uncertain significance. Last evaluated: 2019-09-25. Review status: criteria provided, single submitter. Criteria: GeneDx Variant Classification Process June 2021. Collection method: clinical testing. Allele origin: germline. Affected: yes.
Comment: Not observed at a significant frequency in large population cohorts (Lek et al., 2016); In silico analysis, which includes protein predictors and evolutionary conservation, supports that this variant does not alter protein structure/function; Has not been previously published as pathogenic or benign to our knowledge

NM_000352.6(ABCC8):c.4342A>G (p.Ser1448Gly)

Gene: ABCC8 (ATP binding cassette subfamily C member 8; minus strand). Cytogenetic location: 11p15.1.
Variant type: single nucleotide variant.
Coding change: c.4342A>G on transcript NM_000352.6 (MANE Select); coding-DNA position 4342, A replaced by G.
Protein change: p.Ser1448Gly; replaces serine 1448 with glycine.
Molecular consequence: missense variant. On other transcripts: non-coding transcript variant (1).
Genome position (GRCh38, 1-based): chr11:17,395,241, T>C on the plus strand (A>G on the coding strand, the complement: ABCC8 is on the minus strand). VCF-style: chr11-17395241-T-C. GRCh37 (hg19) VCF-style: chr11-17416788-T-C.
Other names: c.4345A>G, p.Ser1449Gly (NM_001287174.3); c.4408A>G, p.Ser1470Gly (NM_001351295.2); c.4342A>G, p.Ser1448Gly (NM_001351296.2); c.4339A>G, p.Ser1447Gly (NM_001351297.2); short protein forms S1447G, S1448G, S1449G, S1470G.
Identifiers: ClinVar variation 1312468 (VCV001312468.3), dbSNP rs374703754, ClinGen allele CA5902490.